The following is an entry in ClinVar:

ClinVar aggregate classification (germline): Uncertain significance (1 of 4 stars; one submission).

Submission:

Labcorp Genetics (formerly Invitae), Labcorp
Classification: Uncertain significance. Last evaluated: 2025-03-04. Review status: criteria provided, single submitter. Criteria: Invitae Variant Classification Sherloc (09022015). Collection method: clinical testing. Allele origin: germline.
Comment: This sequence change affects an acceptor splice site in intron 1 of the POLD2 gene. It is expected to disrupt RNA splicing. Variants that disrupt the donor or acceptor splice site typically lead to a loss of protein function (PMID: 16199547), however the current clinical and genetic evidence is not sufficient to establish whether loss-of-function variants in POLD2 cause disease. This variant is present in population databases (rs771509546, gnomAD 0.01%). This variant has not been reported in the literature in individuals affected with POLD2-related conditions. Algorithms developed to predict the effect of sequence changes on RNA splicing suggest that this variant may disrupt the consensus splice site. In summary, the available evidence is currently insufficient to determine the role of this variant in disease. Therefore, it has been classified as a Variant of Uncertain Significance.

Literature cited by the submitters: PubMed 16199547.

NM_006230.4(POLD2):c.-56-1G>A

Gene: POLD2 (DNA polymerase delta 2, accessory subunit; minus strand). Cytogenetic location: 7p13.
Variant type: single nucleotide variant.
Coding change: c.-56-1G>A on transcript NM_006230.4 (MANE Select); the canonical splice acceptor site of the intron before 56 bases upstream of the start codon, G replaced by A.
Molecular consequence: splice acceptor variant. On other transcripts: 5 prime UTR variant (2).
Genome position (GRCh38, 1-based): chr7:44,122,110, C>T on the plus strand (G>A on the coding strand, the complement: POLD2 is on the minus strand). VCF-style: chr7-44122110-C-T. GRCh37 (hg19) VCF-style: chr7-44161709-C-T.
Other names: c.-57G>A (NM_001127218.3, NM_001256879.2).
Identifiers: ClinVar variation 4811995 (VCV004811995.1).